The following is an entry in ClinVar:

ClinVar aggregate classification (germline): Uncertain significance (1 of 4 stars; one submission).

Conditions:
Hereditary breast ovarian cancer syndrome. Also called: Hereditary breast and ovarian cancer syndrome; Hereditary breast and ovarian cancer syndrome (HBOC); BRCA1- and BRCA2-Associated Hereditary Breast and Ovarian Cancer; Hereditary breast and ovarian cancer; Breast and ovarian cancer; Hereditary breast and/or ovarian cancer syndrome. Identifiers: Orphanet 145, MedGen C0677776, MeSH D061325, MONDO:0003582. Disease mechanism: loss of function.

Submission:

Labcorp Genetics (formerly Invitae), Labcorp
Classification: Uncertain significance for Hereditary breast ovarian cancer syndrome. Last evaluated: 2024-09-20. Review status: criteria provided, single submitter. Criteria: Invitae Variant Classification Sherloc (09022015). Collection method: clinical testing. Allele origin: germline.
Comment: This sequence change replaces serine, which is neutral and polar, with asparagine, which is neutral and polar, at codon 1434 of the BRCA1 protein (p.Ser1434Asn). This variant is not present in population databases (gnomAD no frequency). This variant has not been reported in the literature in individuals affected with BRCA1-related conditions. Invitae Evidence Modeling of protein sequence and biophysical properties (such as structural, functional, and spatial information, amino acid conservation, physicochemical variation, residue mobility, and thermodynamic stability) indicates that this missense variant is not expected to disrupt BRCA1 protein function with a negative predictive value of 95%. In summary, the available evidence is currently insufficient to determine the role of this variant in disease. Therefore, it has been classified as a Variant of Uncertain Significance.

NM_007294.4(BRCA1):c.4301G>A (p.Ser1434Asn)

Gene: BRCA1 (BRCA1 DNA repair associated; minus strand). Cytogenetic location: 17q21.31.
Variant type: single nucleotide variant.
Coding change: c.4301G>A on transcript NM_007294.4 (MANE Select); coding-DNA position 4301, G replaced by A.
Protein change: p.Ser1434Asn; replaces serine 1434 with asparagine.
Molecular consequence: missense variant.
Genome position (GRCh38, 1-based): chr17:43,082,460, C>T on the plus strand (G>A on the coding strand, the complement: BRCA1 is on the minus strand). VCF-style: chr17-43082460-C-T. GRCh37 (hg19) VCF-style: chr17-41234477-C-T.
Other names: c.4175G>A, p.Ser1392Asn (NM_001407675.1, NM_001407676.1, NM_001407681.1 and 12 more transcripts); c.4178G>A, p.Ser1393Asn (NM_001407677.1, NM_001407678.1, NM_001407679.1 and 13 more transcripts); c.4301G>A, p.Ser1434Asn (NM_001407684.1, NM_001407594.1, NM_001407596.1 and 23 more transcripts); c.4172G>A, p.Ser1391Asn (NM_001407685.1, NM_001407686.1, NM_001407687.1 and 2 more transcripts); c.4160G>A, p.Ser1387Asn (NM_001407695.1, NM_001407696.1, NM_001407692.1 and 23 more transcripts); c.4298G>A, p.Ser1433Asn (NM_001407610.1, NM_001407611.1, NM_001407612.1 and 21 more transcripts); c.4295G>A, p.Ser1432Asn (NM_001407627.1, NM_001407628.1, NM_001407629.1 and 5 more transcripts); c.4289G>A, p.Ser1430Asn (NM_001407646.1, NM_001407647.1); and 51 more; short protein forms S1138N, S1265N, S1306N, S1322N, S1323N, S1345N, S1346N, S1385N.
Identifiers: ClinVar variation 3634641 (VCV003634641.2).